The following is an entry in ClinVar:

ClinVar aggregate classification (germline): Uncertain significance (1 of 4 stars; one submission).

Submission:

Labcorp Genetics (formerly Invitae), Labcorp
Classification: Uncertain significance. Last evaluated: 2023-07-19. Review status: criteria provided, single submitter. Criteria: Invitae Variant Classification Sherloc (09022015). Collection method: clinical testing. Allele origin: germline.
Comment: This variant is not present in population databases (gnomAD no frequency). This variant, c.923_925del, results in the deletion of 1 amino acid(s) of the TOP1MT protein (p.Thr308del), but otherwise preserves the integrity of the reading frame. This variant has not been reported in the literature in individuals affected with TOP1MT-related conditions. In summary, the available evidence is currently insufficient to determine the role of this variant in disease. Therefore, it has been classified as a Variant of Uncertain Significance.

NM_052963.3(TOP1MT):c.923_925del (p.Thr308del)

Gene: TOP1MT (DNA topoisomerase I mitochondrial; minus strand). Cytogenetic location: 8q24.3.
Variant type: Deletion.
Coding change: c.923_925del on transcript NM_052963.3 (MANE Select); coding-DNA positions 923 to 925, 3 bases deleted (CGA; older notation c.923_925delCGA).
Protein change: p.Thr308del; deletes threonine 308.
Molecular consequence: inframe deletion.
Genome position (GRCh38, 1-based): chr8:143,324,034-143,324,036, TCG deleted on the plus strand (CGA on the coding strand, the reverse complement: TOP1MT is on the minus strand); deleting any 3 consecutive bases within chr8:143,324,034-143,324,038 gives the same sequence; the c. name uses the placement nearest the transcript's 3' end. VCF-style (leftmost placement, unchanged base first): chr8-143324033-CTCG-C. GRCh37 (hg19) VCF-style: chr8-144406203-CTCG-C.
Other names: c.629_631del, p.Thr210del (NM_001258446.1, NM_001258447.1); short protein forms T210del, T308del.
Identifiers: ClinVar variation 2885264 (VCV002885264.3), dbSNP rs2537427767, ClinGen allele CA2579269930.
Genomic context (GRCh38, chr8:143,324,033, plus strand): 5'-CGCCAGGAAGCGAGAAGGCCGCATACCTTATCGATGAAATACAGGGCCACCGCCCGCTGT[CTCG>C]TCTTCATTTCCCGAGACTTCCAGTCAGCCCGGTACTGGGAGCGGATCTCGTCCACAAATC-3'